The following is an entry in ClinVar:

NM_000334.4(SCN4A):c.5413A>G (p.Met1805Val)

Genes: GH-LCR (growth hormone locus control region; plus strand), SCN4A (sodium voltage-gated channel alpha subunit 4; minus strand). Cytogenetic location: 17q23.3.
Variant type: single nucleotide variant.
Coding change: c.5413A>G on transcript NM_000334.4 (MANE Select); coding-DNA position 5413, A replaced by G.
Protein change: p.Met1805Val; replaces methionine 1805 with valine.
Molecular consequence: missense variant.
Genome position (GRCh38, 1-based): chr17:63,940,869, T>C on the plus strand (A>G on the coding strand, the complement: SCN4A is on the minus strand). VCF-style: chr17-63940869-T-C. GRCh37 (hg19) VCF-style: chr17-62018229-T-C.
Other names: short protein forms M1805V.
Identifiers: ClinVar variation 2973734 (VCV002973734.3), dbSNP rs1187323335, ClinGen allele CA400610340.
Genomic context (GRCh38, chr17:63,940,869, plus strand): 5'-GCCCTGGGGGAGGGGCGGGAGGCCAGGCAGTGTCTGAGGGGCTGATGGGCATCAGCCCCA[T>C]AGTGGGTCCGGCGTCCCCTGCCTCGCCCTTCTCCTCCGGGCTTGGCGAGCTGCTGTTCCC-3'
Protein context (NP_000325.4, residues 1795-1815): KGEAGDAGPT[Met1805Val]GLMPISPSDT

ClinVar aggregate classification (germline): Uncertain significance (1 of 4 stars; one submission).

Conditions:
Hyperkalemic periodic paralysis. Also called: Familial hyperkalemic periodic paralysis; Gamstorp disease. Identifiers: Orphanet 682, MedGen C0238357, MONDO:0008224, OMIM 170500, HP:0007215.

Submission:

Labcorp Genetics (formerly Invitae), Labcorp
Classification: Uncertain significance for Hyperkalemic periodic paralysis. Last evaluated: 2023-10-09. Review status: criteria provided, single submitter. Criteria: Invitae Variant Classification Sherloc (09022015). Collection method: clinical testing. Allele origin: germline.
Comment: This sequence change replaces methionine, which is neutral and non-polar, with valine, which is neutral and non-polar, at codon 1805 of the SCN4A protein (p.Met1805Val). This variant is present in population databases (no rsID available, gnomAD 0.006%). This variant has not been reported in the literature in individuals affected with SCN4A-related conditions. Algorithms developed to predict the effect of missense changes on protein structure and function output the following: SIFT: "Not Available"; PolyPhen-2: "Benign"; Align-GVGD: "Not Available". The valine amino acid residue is found in multiple mammalian species, which suggests that this missense change does not adversely affect protein function. In summary, the available evidence is currently insufficient to determine the role of this variant in disease. Therefore, it has been classified as a Variant of Uncertain Significance.